The following is an entry in ClinVar:

ClinVar aggregate classification (germline): Uncertain significance. Review status: criteria provided, multiple submitters, no conflicts (2 of 4 stars). 2 submissions from 2 submitters: Uncertain significance (2). Last evaluated 2025-02-13.

Conditions:
NOTCH2-related disorder. Also called: NOTCH2-related condition.
Hajdu-Cheney syndrome (HJCYS). Also called: ACROOSTEOLYSIS WITH OSTEOPOROSIS AND CHANGES IN SKULL AND MANDIBLE; SERPENTINE FIBULA-POLYCYSTIC KIDNEY SYNDROME; Acroosteolysis dominant type. Identifiers: Orphanet 955, MedGen C0917715, MONDO:0007057, OMIM 102500.

Allele frequency attached by ClinVar (database versions not stated): gnomAD exomes 0.00001; ExAC 0.00002; TOPMed 0.00006; gnomAD 0.00007.
gnomAD v4.1: 23 of 1,614,070 alleles (0.0014%); highest among the groups gnomAD compares: African/African-American, 0.031%; no homozygotes.

Submissions (2):

Labcorp Genetics (formerly Invitae), Labcorp
Classification: Uncertain significance for Hajdu-Cheney syndrome. Last evaluated: 2025-02-13. Review status: criteria provided, single submitter. Criteria: Invitae Variant Classification Sherloc (09022015). Collection method: clinical testing. Allele origin: germline.
Comment: This sequence change replaces valine, which is neutral and non-polar, with methionine, which is neutral and non-polar, at codon 1960 of the NOTCH2 protein (p.Val1960Met). This variant is present in population databases (rs777931587, gnomAD 0.02%). This variant has not been reported in the literature in individuals affected with NOTCH2-related conditions. ClinVar contains an entry for this variant (Variation ID: 2636754). Invitae Evidence Modeling of protein sequence and biophysical properties (such as structural, functional, and spatial information, amino acid conservation, physicochemical variation, residue mobility, and thermodynamic stability) indicates that this missense variant is not expected to disrupt NOTCH2 protein function with a negative predictive value of 80%. In summary, the available evidence is currently insufficient to determine the role of this variant in disease. Therefore, it has been classified as a Variant of Uncertain Significance.

PreventionGenetics, part of Exact Sciences
Classification: Uncertain significance for NOTCH2-related condition. Last evaluated: 2024-10-09. Review status: criteria provided, single submitter. Criteria: ACMG Guidelines, 2015. Collection method: clinical testing. Allele origin: germline.
Comment: The NOTCH2 c.5878G>A variant is predicted to result in the amino acid substitution p.Val1960Met. To our knowledge, this variant has not been reported in the literature. This variant is reported in 0.024% of alleles in individuals of African descent in gnomAD. At this time, the clinical significance of this variant is uncertain due to the absence of conclusive functional and genetic evidence.

NM_024408.4(NOTCH2):c.5878G>A (p.Val1960Met)

Gene: NOTCH2 (notch receptor 2; minus strand). Cytogenetic location: 1p12.
Variant type: single nucleotide variant.
Coding change: c.5878G>A on transcript NM_024408.4 (MANE Select); coding-DNA position 5878, G replaced by A.
Protein change: p.Val1960Met; replaces valine 1960 with methionine.
Molecular consequence: missense variant.
Genome position (GRCh38, 1-based): chr1:119,918,457, C>T on the plus strand (G>A on the coding strand, the complement: NOTCH2 is on the minus strand). VCF-style: chr1-119918457-C-T. GRCh37 (hg19) VCF-style: chr1-120461080-C-T.
Other names: short protein forms V1960M.
Identifiers: ClinVar variation 2636754 (VCV002636754.5), dbSNP rs777931587, ClinGen allele CA1039551.